The following is an entry in ClinVar:

ClinVar aggregate classification (germline): Uncertain significance (1 of 4 stars; one submission).

Submission:

Labcorp Genetics (formerly Invitae), Labcorp
Classification: Uncertain significance. Last evaluated: 2022-01-28. Review status: criteria provided, single submitter. Criteria: Invitae Variant Classification Sherloc (09022015). Collection method: clinical testing. Allele origin: germline.
Comment: This variant has not been reported in the literature in individuals affected with PCLO-related conditions. This sequence change replaces serine, which is neutral and polar, with proline, which is neutral and non-polar, at codon 771 of the PCLO protein (p.Ser771Pro). This variant is not present in population databases (gnomAD no frequency). Algorithms developed to predict the effect of missense changes on protein structure and function output the following: SIFT: "Tolerated"; PolyPhen-2: "Not Available"; Align-GVGD: "Class C0". The proline amino acid residue is found in multiple mammalian species, which suggests that this missense change does not adversely affect protein function. In summary, the available evidence is currently insufficient to determine the role of this variant in disease. Therefore, it has been classified as a Variant of Uncertain Significance.

NM_033026.6(PCLO):c.2311T>C (p.Ser771Pro)

Gene: PCLO (piccolo presynaptic cytomatrix protein; minus strand). Cytogenetic location: 7q21.11.
Variant type: single nucleotide variant.
Coding change: c.2311T>C on transcript NM_033026.6 (MANE Select); coding-DNA position 2311, T replaced by C.
Protein change: p.Ser771Pro; replaces serine 771 with proline.
Molecular consequence: missense variant.
Genome position (GRCh38, 1-based): chr7:83,135,239, A>G on the plus strand (T>C on the coding strand, the complement: PCLO is on the minus strand). VCF-style: chr7-83135239-A-G. GRCh37 (hg19) VCF-style: chr7-82764555-A-G.
Other names: c.2311T>C, p.Ser771Pro (NM_014510.3); short protein forms S771P.
Identifiers: ClinVar variation 2090644 (VCV002090644.4), dbSNP rs1360543775, ClinGen allele CA367903122.
Genomic context (GRCh38, chr7:83,135,239, plus strand): 5'-TTTTCTCTTCAGCTTGTGACTGTACTTTGGAGCTTGGAATATCAGGTTTTGTTGTTGCTG[A>G]TGATGAAGATACAAGGTCAGTGGTTGGCTTTACCATCTTGGGCTGCTTTGGTTTATCATC-3'
Protein context (NP_149015.2, residues 761-781): KPTTDLVSSS[Ser771Pro]ATTKPDIPSS